The following is an entry in ClinVar:

NM_006494.4(ERF):c.498_500del (p.Ser171del)

Gene: ERF (ETS2 repressor factor; minus strand). Cytogenetic location: 19q13.2.
Variant type: Deletion.
Coding change: c.498_500del on transcript NM_006494.4 (MANE Select); coding-DNA positions 498 to 500, 3 bases deleted (TTC; older notation c.498_500delTTC).
Protein change: p.Ser171del; deletes serine 171.
Genome position (GRCh38, 1-based): chr19:42,249,612-42,249,614, GAA deleted on the plus strand (TTC on the coding strand, the reverse complement: ERF is on the minus strand); deleting any 3 consecutive bases within chr19:42,249,612-42,249,616 gives the same sequence; the c. name uses the placement nearest the transcript's 3' end. VCF-style (leftmost placement, unchanged base first): chr19-42249611-TGAA-T. GRCh37 (hg19) VCF-style: chr19-42753763-TGAA-T.
Other names: c.273_275del, p.Ser96del (NM_001301035.2, NM_001308402.2, NM_001312656.2); short protein forms S171del, S96del.
Identifiers: ClinVar variation 3678477 (VCV003678477.2).
Genomic context (GRCh38, chr19:42,249,611, plus strand): 5'-ACTGACTGAGCCTCGGCCCAGGCGGCGGGCCACCACAGCCGAGAAGAGGGAAGATGAAGA[TGAA>T]GAGCAGGCTGGTGGTGAGCGGGGGTCCTCGGTGGGGGACAGCACCTCGGAGGGCGTTGAG-3'

ClinVar aggregate classification (germline): Uncertain significance (1 of 4 stars; one submission).

Conditions:
TWIST1-related craniosynostosis (CRS1). Also called: CRANIOSYNOSTOSIS 1. Identifiers: Orphanet 63440, MedGen C4551902, MONDO:0007399, OMIM 123100. Inheritance: Heterogenous inheritance pattern.

Submission:

Labcorp Genetics (formerly Invitae), Labcorp
Classification: Uncertain significance for TWIST1-related craniosynostosis. Last evaluated: 2024-12-04. Review status: criteria provided, single submitter. Criteria: Invitae Variant Classification Sherloc (09022015). Collection method: clinical testing. Allele origin: germline.
Comment: This variant, c.498_500del, results in the deletion of 1 amino acid(s) of the ERF protein (p.Ser171del), but otherwise preserves the integrity of the reading frame. This variant is present in population databases (rs768663833, gnomAD 0.01%). This variant has not been reported in the literature in individuals affected with ERF-related conditions. Experimental studies and prediction algorithms are not available or were not evaluated, and the functional significance of this variant is currently unknown. In summary, the available evidence is currently insufficient to determine the role of this variant in disease. Therefore, it has been classified as a Variant of Uncertain Significance.